The following is an entry in ClinVar:

ClinVar aggregate classification (germline): Likely benign. Review status: criteria provided, multiple submitters, no conflicts (2 of 4 stars). 2 submissions from 2 submitters: Likely benign (2). Last evaluated 2026-04-01.

Conditions:
Early-infantile DEE. Also called: Early infantile epileptic encephalopathy; Ohtahara syndrome; Early infantile epileptic encephalopathy with suppression bursts. Identifiers: Orphanet 1934, MedGen C0393706, MONDO:0800491.

Allele frequency attached by ClinVar (database versions not stated): gnomAD 0.00001 and 0.00002; TOPMed 0.00001; ExAC 0.00005; gnomAD exomes 0.00005 and 0.00006; ESP Exome Variant Server 0.00008.
gnomAD v4.1: 76 of 1,613,922 alleles (0.0047%); highest among the groups gnomAD compares: South Asian, 0.068%; no homozygotes.

Submissions (2):

CeGaT Center for Human Genetics Tuebingen
Classification: Likely benign. Last evaluated: 2026-04-01. Review status: criteria provided, single submitter. Criteria: CeGaT Center For Human Genetics Tuebingen Variant Classification Criteria Version 2. Collection method: clinical testing. Allele origin: germline. Affected: yes. Observed: 2 variant alleles.
Comment: SPTAN1: BP4, BP7

Labcorp Genetics (formerly Invitae), Labcorp
Classification: Likely benign for Early-infantile DEE. Last evaluated: 2025-03-06. Review status: criteria provided, single submitter. Criteria: Invitae Variant Classification Sherloc (09022015). Collection method: clinical testing. Allele origin: germline.

NM_001130438.3(SPTAN1):c.7338C>T (p.Cys2446=)

Gene: SPTAN1 (spectrin alpha, non-erythrocytic 1; plus strand). Cytogenetic location: 9q34.11.
Variant type: single nucleotide variant.
Coding change: c.7338C>T on transcript NM_001130438.3 (MANE Select); coding-DNA position 7338, C replaced by T.
Protein change: p.Cys2446=; no amino-acid change (cysteine 2446 retained).
Molecular consequence: synonymous variant.
Genome position (GRCh38, 1-based): chr9:128,633,238, C>T. VCF-style: chr9-128633238-C-T. GRCh37 (hg19) VCF-style: chr9-131395517-C-T.
Other names: c.7263C>T, p.Cys2421= (NM_001195532.2); c.7401C>T, p.Cys2467= (NM_001363759.2); c.7278C>T, p.Cys2426= (NM_001363765.2, NM_001375314.2); c.7425C>T, p.Cys2475= (NM_001375310.1); c.7338C>T, p.Cys2446= (NM_001375311.2); c.7374C>T, p.Cys2458= (NM_001375312.2); c.7320C>T, p.Cys2440= (NM_001375313.1); c.7437C>T, p.Cys2479= (NM_001375318.1); and 1 more.
Identifiers: ClinVar variation 1093684 (VCV001093684.35), dbSNP rs374405583, ClinGen allele CA5266085.